The following is an entry in ClinVar:

ClinVar aggregate classification (germline): Likely pathogenic. Review status: criteria provided, multiple submitters, no conflicts (2 of 4 stars). 2 submissions from 2 submitters: Likely pathogenic (2). Last evaluated 2026-04-20.

Conditions:
Bardet-Biedl syndrome 12 (BBS12). Identifiers: Orphanet 110, MedGen C1859570, MONDO:0014440, OMIM 615989.

gnomAD v4.1: 1 of 1,611,242 alleles (0.000062%); highest among the groups gnomAD compares: Non-Finnish European, 0.000085%; no homozygotes.

Submissions (2):

Myriad Genetics, Inc.
Classification: Likely pathogenic for Bardet-Biedl syndrome 12. Last evaluated: 2026-04-20. Review status: criteria provided, single submitter. Criteria: Myriad Autosomal Dominant, Autosomal Recessive and X-Linked Classification Criteria (2023). Collection method: clinical testing. Allele origin: unknown.
Comment: NM_152618.2(BBS12):c.2133G>C(*711Yext*17) is a stop-loss variant classified as likely pathogenic in the context of Bardet-Biedl syndrome, BBS12-related. *711Yext*17 has been observed in a case with relevant disease (PMID: 17160889). Relevant functional assessments of this variant are not available in the literature. *711Yext*17 has been observed in referenced population frequency databases. In summary, NM_152618.2(BBS12):c.2133G>C(*711Yext*17) is a stop-loss variant that has been observed more frequently in cases with the relevant disease than in healthy populations. Please note: this variant was assessed in the context of healthy population screening.

Natera, Inc.
Classification: Likely pathogenic for Bardet-Biedl syndrome type 12. Last evaluated: 2026-01-15. Review status: criteria provided, single submitter. Criteria: Natera Variant Classification Schema (03/2026). Collection method: clinical testing. Allele origin: germline.
Comment: The c.2133G>C variant in BBS12 is a stop-loss variant predicted to disrupt the normal termination codon and extend translation beyond the canonical stop site. This variant is rare in the general population with a frequency below the threshold expected for the associated phenotype(s). This variant has been observed in one or more individuals affected with the associated recessive disease, as either homozygous or compound heterozygous with a second variant (PMID: 17160889). Given the available evidence, this variant is classified as Likely Pathogenic.

Literature cited by the submitters: PubMed 17160889 (cited by Myriad Genetics, Inc. and Natera, Inc.).

NM_152618.3(BBS12):c.2133G>C (p.Ter711Tyr)

Gene: BBS12 (Bardet-Biedl syndrome 12; plus strand). Cytogenetic location: 4q27.
Variant type: single nucleotide variant.
Coding change: c.2133G>C on transcript NM_152618.3 (MANE Select); coding-DNA position 2133, G replaced by C.
Protein change: p.Ter711Tyr.
Molecular consequence: stop lost.
Genome position (GRCh38, 1-based): chr4:122,744,025, G>C. VCF-style: chr4-122744025-G-C. GRCh37 (hg19) VCF-style: chr4-123665180-G-C.
Other names: c.2133G>C, p.Ter711Tyr (NM_001178007.2).
Identifiers: ClinVar variation 4816886 (VCV004816886.2).